The following is an entry in ClinVar:

NM_005918.4(MDH2):c.108C>G (p.Ile36Met)

Gene: MDH2 (malate dehydrogenase 2; plus strand). Cytogenetic location: 7q11.23.
Variant type: single nucleotide variant.
Coding change: c.108C>G on transcript NM_005918.4 (MANE Select); coding-DNA position 108, C replaced by G.
Protein change: p.Ile36Met; replaces isoleucine 36 with methionine.
Molecular consequence: missense variant. On other transcripts: intron variant (1).
Genome position (GRCh38, 1-based): chr7:76,054,871, C>G. VCF-style: chr7-76054871-C-G. GRCh37 (hg19) VCF-style: chr7-75684189-C-G.
Other names: c.108C>G, p.Ile36Met (NM_001282403.2); c.-86-2539C>G (NM_001282404.2); short protein forms I36M.
Identifiers: ClinVar variation 1788751 (VCV001788751.2), dbSNP rs782294941, ClinGen allele CA367762226.

ClinVar aggregate classification (germline): Uncertain significance (1 of 4 stars; one submission).

Conditions:
Inborn genetic diseases. Identifiers: MedGen C0950123, MeSH D030342.

gnomAD v4.1: 2 of 1,614,060 alleles (0.00012%); highest among the groups gnomAD compares: African/African-American, 0.0013%; no homozygotes.

Submission:

Ambry Genetics
Classification: Uncertain significance for Inborn genetic diseases. Last evaluated: 2022-08-13. Review status: criteria provided, single submitter. Criteria: Ambry Variant Classification Scheme 2023. Collection method: clinical testing. Allele origin: germline.
Comment: The p.I36M variant (also known as c.108C>G), located in coding exon 2 of the MDH2 gene, results from a C to G substitution at nucleotide position 108. The isoleucine at codon 36 is replaced by methionine, an amino acid with highly similar properties. This amino acid position is conserved. In addition, the in silico prediction for this alteration is inconclusive. Since supporting evidence is limited at this time, the clinical significance of this alteration remains unclear.